The following is an entry in ClinVar:

NM_004444.5(EPHB4):c.616C>G (p.Arg206Gly)

Gene: EPHB4 (EPH receptor B4; minus strand). Cytogenetic location: 7q22.1.
Variant type: single nucleotide variant.
Coding change: c.616C>G on transcript NM_004444.5 (MANE Select); coding-DNA position 616, C replaced by G.
Protein change: p.Arg206Gly; replaces arginine 206 with glycine.
Molecular consequence: missense variant.
Genome position (GRCh38, 1-based): chr7:100,822,463, G>C on the plus strand (C>G on the coding strand, the complement: EPHB4 is on the minus strand). VCF-style: chr7-100822463-G-C. GRCh37 (hg19) VCF-style: chr7-100420085-G-C.
Other names: short protein forms R206G.
Identifiers: ClinVar variation 3275977 (VCV003275977.1).

ClinVar aggregate classification (germline): Uncertain significance (1 of 4 stars; one submission).

Conditions:
Cardiovascular phenotype. Identifiers: MedGen CN230736.

gnomAD v4.1: 5 of 1,608,418 alleles (0.00031%); highest among the groups gnomAD compares: Non-Finnish European, 0.00043%; no homozygotes.

Submission:

Ambry Genetics
Classification: Uncertain significance for Cardiovascular phenotype. Last evaluated: 2024-04-19. Review status: criteria provided, single submitter. Criteria: Ambry Variant Classification Scheme 2023. Collection method: clinical testing. Allele origin: germline.
Comment: The p.R206G variant (also known as c.616C>G), located in coding exon 4 of the EPHB4 gene, results from a C to G substitution at nucleotide position 616. The arginine at codon 206 is replaced by glycine, an amino acid with dissimilar properties. This amino acid position is conserved. In addition, this alteration is predicted to be tolerated by in silico analysis. Based on the available evidence, the clinical significance of this variant remains unclear.